The following is an entry in ClinVar:

ClinVar aggregate classification (germline): Uncertain significance (1 of 4 stars; one submission).

Submission:

GeneDx
Classification: Uncertain significance. Last evaluated: 2025-03-30. Review status: criteria provided, single submitter. Criteria: GeneDx Variant Classification Process June 2021. Collection method: clinical testing. Allele origin: germline. Affected: yes.
Comment: Not observed at significant frequency in large population cohorts (gnomAD); In silico analysis supports that this missense variant has a deleterious effect on protein structure/function; Has not been previously published as pathogenic or benign to our knowledge

NM_001744.6(CAMK4):c.490G>A (p.Asp164Asn)

Gene: CAMK4 (calcium/calmodulin dependent protein kinase IV; plus strand). Cytogenetic location: 5q22.1.
Variant type: single nucleotide variant.
Coding change: c.490G>A on transcript NM_001744.6 (MANE Select); coding-DNA position 490, G replaced by A.
Protein change: p.Asp164Asn; replaces aspartic acid 164 with asparagine.
Molecular consequence: missense variant. On other transcripts: 5 prime UTR variant (2).
Genome position (GRCh38, 1-based): chr5:111,446,716, G>A. VCF-style: chr5-111446716-G-A. GRCh37 (hg19) VCF-style: chr5-110782414-G-A.
Other names: c.490G>A, p.Asp164Asn (NM_001323374.2, NM_001323375.2); c.-102G>A (NM_001323376.2, NM_001323377.2); short protein forms D164N.
Identifiers: ClinVar variation 4278834 (VCV004278834.1).